The following is an entry in ClinVar:

ClinVar aggregate classification (germline): Uncertain significance (1 of 4 stars; one submission).

Allele frequency attached by ClinVar (database versions not stated): gnomAD exomes below 0.00001; TOPMed below 0.00001.
gnomAD v4.1: 4 of 1,614,078 alleles (0.00025%); highest among the groups gnomAD compares: Non-Finnish European, 0.00025%; no homozygotes.

Submission:

GeneDx
Classification: Uncertain significance. Last evaluated: 2019-09-23. Review status: criteria provided, single submitter. Criteria: GeneDx Variant Classification Process June 2021. Collection method: clinical testing. Allele origin: germline. Affected: yes.
Comment: Has not been previously published as pathogenic or benign to our knowledge; Not observed at a significant frequency in large population cohorts (Lek et al., 2016); In silico analysis, which includes protein predictors and evolutionary conservation, supports a deleterious effect

NM_000501.4(ELN):c.463C>T (p.Leu155Phe)

Gene: ELN (elastin; plus strand). Cytogenetic location: 7q11.23.
Variant type: single nucleotide variant.
Coding change: c.463C>T on transcript NM_000501.4 (MANE Select); coding-DNA position 463, C replaced by T.
Protein change: p.Leu155Phe; replaces leucine 155 with phenylalanine.
Molecular consequence: missense variant.
Genome position (GRCh38, 1-based): chr7:74,043,914, C>T. VCF-style: chr7-74043914-C-T. GRCh37 (hg19) VCF-style: chr7-73458244-C-T.
Other names: c.433C>T, p.Leu145Phe (NM_001081752.3, NM_001278917.2, NM_001278918.2); c.478C>T, p.Leu160Phe (NM_001081753.3, NM_001081754.3); c.463C>T, p.Leu155Phe (NM_001081755.3, NM_001278912.2, NM_001278915.2 and 2 more transcripts); c.427C>T, p.Leu143Phe (NM_001278913.2); c.448C>T, p.Leu150Phe (NM_001278914.2); short protein forms L143F, L145F, L150F, L155F, L160F.
Identifiers: ClinVar variation 1308791 (VCV001308791.2), dbSNP rs1563789663, ClinGen allele CA367869654.